The following is an entry in ClinVar:

ClinVar aggregate classification (germline): Uncertain significance (1 of 4 stars; one submission).

Conditions:
Hereditary cancer-predisposing syndrome. Also called: Neoplastic Syndromes, Hereditary; Tumor predisposition; Hereditary Cancer Syndrome; Hereditary neoplastic syndrome. Identifiers: Orphanet 140162, MedGen C0027672, MeSH D009386, MONDO:0015356.

Submission:

Ambry Genetics
Classification: Uncertain significance for Hereditary cancer-predisposing syndrome. Last evaluated: 2025-05-15. Review status: criteria provided, single submitter. Criteria: Ambry Variant Classification Scheme 2023. Collection method: clinical testing. Allele origin: germline.
Comment: The p.E527K variant (also known as c.1579G>A), located in coding exon 15 of the NF2 gene, results from a G to A substitution at nucleotide position 1579. The glutamic acid at codon 527 is replaced by lysine, an amino acid with similar properties. This amino acid position is conserved. In addition, the in silico prediction for this alteration is inconclusive. Since supporting evidence is limited at this time, the clinical significance of this alteration remains unclear.

NM_000268.4(NF2):c.1579G>A (p.Glu527Lys)

Gene: NF2 (NF2, moesin-ezrin-radixin like (MERLIN) tumor suppressor; plus strand). Cytogenetic location: 22q12.2.
Variant type: single nucleotide variant.
Coding change: c.1579G>A on transcript NM_000268.4 (MANE Select); coding-DNA position 1579, G replaced by A.
Protein change: p.Glu527Lys; replaces glutamic acid 527 with lysine.
Molecular consequence: missense variant. On other transcripts: non-coding transcript variant (1), intron variant (1).
Genome position (GRCh38, 1-based): chr22:29,681,443, G>A. VCF-style: chr22-29681443-G-A. GRCh37 (hg19) VCF-style: chr22-30077432-G-A.
Other names: c.1456G>A, p.Glu486Lys (NM_001407058.1, NM_181829.3, NM_001407054.1); c.1444G>A, p.Glu482Lys (NM_001407059.1, NM_001407057.1); c.1321G>A, p.Glu441Lys (NM_001407062.1); c.1579G>A, p.Glu527Lys (NM_001407066.1, NM_181832.3, NM_016418.5 and 1 more transcripts); c.1348G>A, p.Glu450Lys (NM_001407067.1); c.1330G>A, p.Glu444Lys (NM_181830.3, NM_181831.3, NM_001407063.1); c.448-13309G>A (NM_181833.3); c.1453G>A, p.Glu485Lys (NM_181828.3, NM_001407055.1); and 2 more; short protein forms E482K, E486K, E444K, E485K, E527K, E349K, E441K, E450K.
Identifiers: ClinVar variation 1775641 (VCV001775641.3), dbSNP rs74315505, ClinGen allele CA411149993.